The following is an entry in ClinVar:

NM_001039348.3(EFEMP1):c.469A>T (p.Ile157Phe)

Gene: EFEMP1 (EGF-like fibulin extracellular matrix protein 1; minus strand). Cytogenetic location: 2p16.1.
Variant type: single nucleotide variant.
Coding change: c.469A>T on transcript NM_001039348.3 (MANE Select); coding-DNA position 469, A replaced by T.
Protein change: p.Ile157Phe; replaces isoleucine 157 with phenylalanine.
Molecular consequence: missense variant.
Genome position (GRCh38, 1-based): chr2:55,917,713, T>A on the plus strand (A>T on the coding strand, the complement: EFEMP1 is on the minus strand). VCF-style: chr2-55917713-T-A. GRCh37 (hg19) VCF-style: chr2-56144848-T-A.
Other names: c.469A>T, p.Ile157Phe (NM_001039349.3); short protein forms I157F.
Identifiers: ClinVar variation 1379684 (VCV001379684.6), dbSNP rs2104452101, ClinGen allele CA347026401.

ClinVar aggregate classification (germline): Uncertain significance (1 of 4 stars; one submission).

Submission:

Labcorp Genetics (formerly Invitae), Labcorp
Classification: Uncertain significance. Last evaluated: 2023-10-03. Review status: criteria provided, single submitter. Criteria: Invitae Variant Classification Sherloc (09022015). Collection method: clinical testing. Allele origin: germline.
Comment: This sequence change replaces isoleucine, which is neutral and non-polar, with phenylalanine, which is neutral and non-polar, at codon 157 of the EFEMP1 protein (p.Ile157Phe). This variant is not present in population databases (gnomAD no frequency). This variant has not been reported in the literature in individuals affected with EFEMP1-related conditions. ClinVar contains an entry for this variant (Variation ID: 1379684). Advanced modeling of protein sequence and biophysical properties (such as structural, functional, and spatial information, amino acid conservation, physicochemical variation, residue mobility, and thermodynamic stability) performed at Invitae indicates that this missense variant is not expected to disrupt EFEMP1 protein function. In summary, the available evidence is currently insufficient to determine the role of this variant in disease. Therefore, it has been classified as a Variant of Uncertain Significance.